The following is an entry in ClinVar:

ClinVar aggregate classification (germline): Likely pathogenic (1 of 4 stars; one submission).

Conditions:
Gaze palsy, familial horizontal, with progressive scoliosis 1 (HGPPS1). Identifiers: Orphanet 2744, MedGen C4551964, MONDO:0020790, OMIM 607313.

gnomAD v4.1: 3 of 1,613,856 alleles (0.00019%); highest among the groups gnomAD compares: African/African-American, 0.0013%; no homozygotes.

Submission:

Juno Genomics, Hangzhou Juno Genomics, Inc
Classification: Likely pathogenic for Gaze palsy, familial horizontal, with progressive scoliosis 1. Review status: criteria provided, single submitter. Criteria: ACMG Guidelines, 2015. Collection method: clinical testing. Allele origin: germline.
Comment: Null variant in a gene where loss of function (LOF) is a known mechanism of disease.;Absent from controls (or at extremely low frequency if recessive) in Genome Aggregation Database.

NM_022370.4(ROBO3):c.1888C>T (p.Arg630Ter)

Gene: ROBO3 (roundabout guidance receptor 3; plus strand). Cytogenetic location: 11q24.2.
Variant type: single nucleotide variant.
Coding change: c.1888C>T on transcript NM_022370.4 (MANE Select); coding-DNA position 1888, C replaced by T.
Protein change: p.Arg630Ter; replaces arginine 630 with a stop codon.
Molecular consequence: nonsense.
Genome position (GRCh38, 1-based): chr11:124,874,173, C>T. VCF-style: chr11-124874173-C-T. GRCh37 (hg19) VCF-style: chr11-124744069-C-T.
Other names: short protein forms R630*.
Identifiers: ClinVar variation 5007811 (VCV005007811.2).